The following is an entry in ClinVar:

NM_015665.6(AAAS):c.855_856delinsTT (p.Arg286Ter)

Gene: AAAS (aladin WD repeat nucleoporin; minus strand). Cytogenetic location: 12q13.13.
Variant type: Indel.
Coding change: c.855_856delinsTT on transcript NM_015665.6 (MANE Select); coding-DNA positions 855 to 856, CC replaced by TT.
Protein change: p.Arg286Ter; replaces arginine 286 with a stop codon.
Molecular consequence: nonsense.
Genome position (GRCh38, 1-based): chr12:53,309,236-53,309,237, GG replaced by AA on the plus strand (CC replaced by TT on the coding strand, the reverse complement: AAAS is on the minus strand). VCF-style: chr12-53309236-GG-AA. GRCh37 (hg19) VCF-style: chr12-53703020-GG-AA.
Other names: c.756_757delinsTT, p.Arg253Ter (NM_001173466.2); short protein forms R253*, R286*.
Identifiers: ClinVar variation 2159758 (VCV002159758.7), dbSNP rs2498609419, ClinGen allele CA501042.

ClinVar aggregate classification (germline): Pathogenic. Review status: criteria provided, multiple submitters, no conflicts (2 of 4 stars). 3 submissions from 3 submitters: Pathogenic (3). Last evaluated 2025-07-02.

Conditions:
AAAS-related disorder. Also called: AAAS-related condition.
Glucocorticoid deficiency with achalasia (AAAS). Also called: AAA syndrome; Allgrove syndrome; Addisonian achalasia syndrome; Achalasia-addisonianism-alacrimia syndrome; Triple-A syndrome; Alacrima-achalasia-addisonianism. Identifiers: Orphanet 869, MedGen C0271742, MONDO:0009279, OMIM 231550.

Submissions (3):

Women's Health and Genetics/Laboratory Corporation of America, LabCorp
Classification: Pathogenic for Glucocorticoid deficiency with achalasia. Last evaluated: 2025-07-02. Review status: criteria provided, single submitter. Criteria: LabCorp Variant Classification Summary - May 2015. Collection method: clinical testing. Allele origin: germline.
Comment: Variant summary: AAAS c.855_856delinsTT (p.Arg286X) results in a premature termination codon, predicted to cause a truncation of the encoded protein or absence of the protein due to nonsense mediated decay, which are commonly known mechanisms for disease. The variant allele was found at a frequency of 4.2e-05 in 282820 control chromosomes. This frequency is not significantly higher than estimated for a pathogenic variant in AAAS causing Glucocorticoid Deficiency With Achalasia (4.2e-05 vs 0.0011), allowing no conclusion about variant significance. c.855_856delinsTT has been observed in individual(s) affected with Glucocorticoid Deficiency With Achalasia (AAA Syndrome; e.g. Ganapathy_2019). The following publication has been ascertained in the context of this evaluation (PMID: 31069529). ClinVar contains an entry for this variant (Variation ID: 2159758). Based on the evidence outlined above, the variant was classified as pathogenic.

Blueprint Genetics
Classification: Pathogenic for AAAS-related disorders. Last evaluated: 2024-05-14. Review status: criteria provided, single submitter. Criteria: ACMG Guidelines, 2015. Collection method: clinical testing. Allele origin: germline. Affected: yes. Observed: 4 variant alleles.

Labcorp Genetics (formerly Invitae), Labcorp
Classification: Pathogenic. Last evaluated: 2024-01-21. Review status: criteria provided, single submitter. Criteria: Invitae Variant Classification Sherloc (09022015). Collection method: clinical testing. Allele origin: germline.
Comment: This sequence change creates a premature translational stop signal (p.Arg286*) in the AAAS gene. It is expected to result in an absent or disrupted protein product. Loss-of-function variants in AAAS are known to be pathogenic (PMID: 11159947). Information on the frequency of this variant in the gnomAD database is not available, as this variant may be reported differently in the database. This premature translational stop signal has been observed in individual(s) with triple-A syndrome (PMID: 11159947, 15217518, 27133709, 31069529). ClinVar contains an entry for this variant (Variation ID: 2159758). For these reasons, this variant has been classified as Pathogenic.

Literature cited by the submitters: PubMed 31069529 (cited by Women's Health and Genetics/Laboratory Corporation of America, LabCorp and Labcorp Genetics (formerly Invitae), Labcorp); PubMed 11159947 (cited by Labcorp Genetics (formerly Invitae), Labcorp); PubMed 15217518 (cited by Labcorp Genetics (formerly Invitae), Labcorp); PubMed 27133709 (cited by Labcorp Genetics (formerly Invitae), Labcorp).